The following is an entry in ClinVar:

ClinVar aggregate classification (germline): Uncertain significance (1 of 4 stars; one submission).

Conditions:
FG syndrome (FGS). Identifiers: MedGen C0220769, MONDO:0002010.

Submission:

Labcorp Genetics (formerly Invitae), Labcorp
Classification: Uncertain significance for FG syndrome. Last evaluated: 2025-02-26. Review status: criteria provided, single submitter. Criteria: Invitae Variant Classification Sherloc (09022015). Collection method: clinical testing. Allele origin: germline.
Comment: This sequence change replaces serine, which is neutral and polar, with tyrosine, which is neutral and polar, at codon 1202 of the MED12 protein (p.Ser1202Tyr). This variant is not present in population databases (gnomAD no frequency). This variant has not been reported in the literature in individuals affected with MED12-related conditions. ClinVar contains an entry for this variant (Variation ID: 2415715). Invitae Evidence Modeling of protein sequence and biophysical properties (such as structural, functional, and spatial information, amino acid conservation, physicochemical variation, residue mobility, and thermodynamic stability) has been performed for this missense variant. However, the output from this modeling did not meet the statistical confidence thresholds required to predict the impact of this variant on MED12 protein function. In summary, the available evidence is currently insufficient to determine the role of this variant in disease. Therefore, it has been classified as a Variant of Uncertain Significance.

NM_005120.3(MED12):c.3605C>A (p.Ser1202Tyr)

Gene: MED12 (mediator complex subunit 12; plus strand). Cytogenetic location: Xq13.1.
Variant type: single nucleotide variant.
Coding change: c.3605C>A on transcript NM_005120.3 (MANE Select); coding-DNA position 3605, C replaced by A.
Protein change: p.Ser1202Tyr; replaces serine 1202 with tyrosine.
Molecular consequence: missense variant.
Genome position (GRCh38, 1-based): chrX:71,129,343, C>A. VCF-style: chrX-71129343-C-A. GRCh37 (hg19) VCF-style: chrX-70349193-C-A.
Other names: short protein forms S1202Y.
Identifiers: ClinVar variation 2415715 (VCV002415715.8), dbSNP rs2092310992, ClinGen allele CA413520151.